The following is an entry in ClinVar:

ClinVar aggregate classification (germline): Conflicting classifications of pathogenicity. Review status: criteria provided, conflicting classifications (1 of 4 stars). 5 submissions from 5 submitters: Pathogenic (2); Likely pathogenic (2); Uncertain significance (1). Last evaluated 2026-01-09.

Conditions:
Hereditary cancer-predisposing syndrome. Also called: Tumor predisposition; Hereditary neoplastic syndrome; Neoplastic Syndromes, Hereditary; Hereditary Cancer Syndrome. Identifiers: Orphanet 140162, MedGen C0027672, MeSH D009386, MONDO:0015356.
Intrauterine growth retardation, metaphyseal dysplasia, adrenal hypoplasia congenita, genital anomalies, and immunodeficiency. Also called: IMAGEI SYNDROME. Identifiers: MedGen C5193036, MONDO:0032684, OMIM 618336.

Submissions (5):

Ambry Genetics
Classification: Uncertain significance for Hereditary cancer-predisposing syndrome. Last evaluated: 2026-01-09. Review status: criteria provided, single submitter. Criteria: Ambry Variant Classification Scheme 2023. Collection method: clinical testing. Allele origin: germline.
Comment: The c.4337_4338dupTG variant, located in coding exon 34 of the POLE gene, results from a duplication of TG at nucleotide position 4337, causing a translational frameshift with a predicted alternate stop codon (p.V1447Wfs*7). This alteration is expected to result in loss of function by premature protein truncation or nonsense-mediated mRNA decay. Although biallelic loss of function of POLE has been associated with autosomal recessive POLE deficiency, haploinsufficiency of POLE has not been established as a mechanism of disease for POLE-related polymerase proofreading-associated polyposis (PPAP) and POLE-related CMMRD-like syndrome. Based on the supporting evidence, this variant is expected to be causative of POLE deficiency when present along with a second pathogenic variant on the other allele; however, its clinical significance for PPAP and POLE-related CMMRD-like syndrome is unclear.

Labcorp Genetics (formerly Invitae), Labcorp
Classification: Pathogenic. Last evaluated: 2025-12-17. Review status: criteria provided, single submitter. Criteria: Invitae Variant Classification Sherloc (09022015). Collection method: clinical testing. Allele origin: germline.
Comment: This sequence change creates a premature translational stop signal (p.Val1447Trpfs*7) in the POLE gene. It is expected to result in an absent or disrupted protein product. Loss-of-function variants in POLE are known to be pathogenic (PMID: 23230001, 25948378, 30503519). This variant is present in population databases (rs780069120, gnomAD 0.004%). This variant has not been reported in the literature in individuals affected with POLE-related conditions. ClinVar contains an entry for this variant (Variation ID: 824802). RNA analysis performed to evaluate the impact of this premature translational stop signal on mRNA splicing indicates it does not significantly alter splicing (internal data). For these reasons, this variant has been classified as Pathogenic.

GeneDx
Classification: Likely pathogenic. Last evaluated: 2025-07-11. Review status: criteria provided, single submitter. Criteria: GeneDx Variant Classification Process June 2021. Collection method: clinical testing. Allele origin: germline. Affected: yes.
Comment: Frameshift variant predicted to result in protein truncation or nonsense mediated decay in a gene for which loss of function is a known mechanism of disease; Not observed at significant frequency in large population cohorts (gnomAD); Has not been previously published as pathogenic or benign to our knowledge

New York Genome Center
Classification: Likely pathogenic for Intrauterine growth retardation, metaphyseal dysplasia, adrenal hypoplasia congenita, genital anomalies, and immunodeficiency. Last evaluated: 2021-12-10. Review status: criteria provided, single submitter. Criteria: NYGC Assertion Criteria 2020. Collection method: clinical testing. Allele origin: germline. Observed: 1 heterozygote. Study: CSER-NYCKidSeq.

CeGaT Center for Human Genetics Tuebingen
Classification: Pathogenic. Last evaluated: 2018-10-01. Review status: criteria provided, single submitter. Criteria: CeGaT Center For Human Genetics Tuebingen Variant Classification Criteria Version 2. Collection method: clinical testing. Allele origin: germline. Affected: yes. Observed: 1 variant allele.

Literature cited by the submitters: PubMed 23230001 (cited by Labcorp Genetics (formerly Invitae), Labcorp); PubMed 25948378 (cited by Labcorp Genetics (formerly Invitae), Labcorp); PubMed 30503519 (cited by Labcorp Genetics (formerly Invitae), Labcorp).

NM_006231.4(POLE):c.4337_4338dup (p.Val1447fs)

Gene: POLE (DNA polymerase epsilon, catalytic subunit; minus strand). Cytogenetic location: 12q24.33.
Variant type: Microsatellite.
Coding change: c.4337_4338dup on transcript NM_006231.4 (MANE Select); coding-DNA positions 4337 to 4338, 2 bases duplicated (TG; older notation c.4337_4338dupTG).
Protein change: p.Val1447fs; shifts the reading frame from valine 1447.
Molecular consequence: frameshift variant.
Genome position (GRCh38, 1-based): chr12:132,643,513-132,643,514, CA duplicated on the plus strand (TG on the coding strand, the reverse complement: POLE is on the minus strand); duplicating any 2 consecutive bases within chr12:132,643,513-132,643,524 gives the same sequence; the c. name uses the placement nearest the transcript's 3' end. VCF-style (leftmost placement, unchanged base first): chr12-132643512-C-CCA. GRCh37 (hg19) VCF-style: chr12-133220098-C-CCA.
Other names: c.4337_4338dup (NM_006231.2); short protein forms V1447fs.
Identifiers: ClinVar variation 824802 (VCV000824802.54), dbSNP rs758487568, ClinGen allele CA6892878.